The following is an entry in ClinVar:

ClinVar aggregate classification (germline): Uncertain significance (1 of 4 stars; one submission).

Conditions:
Multiple congenital exostosis (EXT). Also called: Multiple osteochondromas; MULTIPLE CARTILAGINOUS EXOSTOSES; Hereditary multiple exostoses; Hereditary multiple exostosis; Hereditary multiple osteochondromas; Multiple exostoses. Identifiers: Orphanet 321, MedGen C0015306, MONDO:0005508, HP:0002762.

Submission:

Labcorp Genetics (formerly Invitae), Labcorp
Classification: Uncertain significance for Multiple congenital exostosis. Last evaluated: 2020-06-13. Review status: criteria provided, single submitter. Criteria: Invitae Variant Classification Sherloc (09022015). Collection method: clinical testing. Allele origin: germline.
Comment: Algorithms developed to predict the effect of sequence changes on RNA splicing suggest that this variant may create or strengthen a splice site, but this prediction has not been confirmed by published transcriptional studies. In summary, the available evidence is currently insufficient to determine the role of this variant in disease. Therefore, it has been classified as a Variant of Uncertain Significance. Algorithms developed to predict the effect of missense changes on protein structure and function are either unavailable or do not agree on the potential impact of this missense change (SIFT: "Deleterious"; PolyPhen-2: "Probably Damaging"; Align-GVGD: "Class C0"). This variant has not been reported in the literature in individuals with EXT1-related conditions. This variant is not present in population databases (ExAC no frequency). This sequence change replaces glycine with arginine at codon 24 of the EXT1 protein (p.Gly24Arg). The glycine residue is moderately conserved and there is a moderate physicochemical difference between glycine and arginine.

NM_000127.3(EXT1):c.70G>A (p.Gly24Arg)

Gene: EXT1 (exostosin glycosyltransferase 1; minus strand). Cytogenetic location: 8q24.11.
Variant type: single nucleotide variant.
Coding change: c.70G>A on transcript NM_000127.3 (MANE Select); coding-DNA position 70, G replaced by A.
Protein change: p.Gly24Arg; replaces glycine 24 with arginine.
Molecular consequence: missense variant.
Genome position (GRCh38, 1-based): chr8:118,110,977, C>T on the plus strand (G>A on the coding strand, the complement: EXT1 is on the minus strand). VCF-style: chr8-118110977-C-T. GRCh37 (hg19) VCF-style: chr8-119123216-C-T.
Other names: short protein forms G24R.
Identifiers: ClinVar variation 1017820 (VCV001017820.8), dbSNP rs1817893036, ClinGen allele CA371916664.
Genomic context (GRCh38, chr8:118,110,977, plus strand): 5'-TCCTACCGCTGTGTTCTTCTCTCCGGCTGTGGCTCCTCGATGCCCTAAACTGCAAGCCTC[C>T]GAAATAAAACAAAAGGGCGAGACAAGAGCCAGCTGAGAGCAGGATGAAATAGCGTTTTTT-3'
Protein context (NP_000118.2, residues 14-34): GSCLALLFYF[Gly24Arg]GLQFRASRSH